The following is an entry in ClinVar:

NM_000257.4(MYH7):c.2167C>T (p.Arg723Cys)

Gene: MYH7 (myosin heavy chain 7; minus strand). Cytogenetic location: 14q11.2.
Variant type: single nucleotide variant.
Coding change: c.2167C>T on transcript NM_000257.4 (MANE Select); coding-DNA position 2167, C replaced by T.
Protein change: p.Arg723Cys; replaces arginine 723 with cysteine.
Molecular consequence: missense variant.
Genome position (GRCh38, 1-based): chr14:23,425,814, G>A on the plus strand (C>T on the coding strand, the complement: MYH7 is on the minus strand). VCF-style: chr14-23425814-G-A. GRCh37 (hg19) VCF-style: chr14-23895023-G-A.
Other names: p.R723C:CGC>TGC; NM_000257.3(MYH7):c.2167C>T; short protein forms R723C.
Identifiers: ClinVar variation 14095 (VCV000014095.91), dbSNP rs121913630, ClinGen allele CA011851.
Genomic context (GRCh38, chr14:23,425,814, plus strand): 5'-CTGCCCCCTTCCTGCTATCAATGAACTGTCCCTCAGGGATGGCCGCTGGGTTCAGGATGC[G>A]ATACCTGAGGAGGGAAGTGTCCAGAGTCACCCATGCTCTGCAGTGATCTGCTCTGCCCAT-3'
Protein context (NP_000248.2, residues 713-733): ILYGDFRQRY[Arg723Cys]ILNPAAIPEG

ClinVar aggregate classification (germline): Pathogenic. Review status: reviewed by expert panel (3 of 4 stars). 27 submissions from 27 submitters: Pathogenic (1). 26 of the submissions do not count toward it. Last evaluated 2016-12-15.

Conditions:
MYH7-related disorder. Also called: MYH7-related disorders; MYH7-related condition; MYH7-related disease.
Cardiovascular phenotype. Identifiers: MedGen CN230736.
Myosin storage myopathy (CMYO7A). Also called: SCAPULOPERONEAL MUSCULAR DYSTROPHY; SCAPULOPERONEAL SYNDROME, MYOPATHIC TYPE; MYOPATHY, HYALINE BODY, AUTOSOMAL DOMINANT; Scapuloperoneal myopathy, MYH7-related; MYOPATHY WITH LYSIS OF TYPE I MYOFIBRILS; MYH7-related late-onset scapuloperoneal muscular dystrophy. Identifiers: Orphanet 437572, Orphanet 636965, MedGen C1842160, MONDO:0008409, OMIM 608358.
Myopathy, myosin storage, autosomal recessive (CMYO7B). Also called: CONGENITAL MYOPATHY 7B, MYOSIN STORAGE, AUTOSOMAL RECESSIVE. Identifiers: Orphanet 636970, MedGen C1850709, MONDO:0009708, OMIM 255160.
Hypertrophic cardiomyopathy 1 (CMH1). Also called: Familial hypertrophic cardiomyopathy 1; MYH7-Related Familial Hypertrophic Cardiomyopathy. Identifiers: MedGen C3495498, MONDO:0008647, OMIM 192600.
MYH7-related skeletal myopathy. Also called: Myopathy, distal, 1; MYOPATHY, DISTAL, EARLY-ONSET, AUTOSOMAL DOMINANT; MYOPATHY, LATE DISTAL HEREDITARY; Laing distal myopathy; Laing early-onset distal myopathy. Identifiers: Orphanet 59135, MedGen C4552004, MONDO:0008050, OMIM 160500.
Dilated cardiomyopathy 1S (CMD1S). Identifiers: Orphanet 154, Orphanet 54260, MedGen C1834481, MONDO:0013262, OMIM 613426.
Congenital myopathy with fiber type disproportion. Also called: Congenital fiber-type disproportion myopathy; Congenital fiber-type disproportion. Identifiers: Orphanet 2020, MedGen C0546264, MONDO:0009711. Inheritance: all.
Cardiomyopathy (CMYO). Also called: Cardiomyopathies. Identifiers: Orphanet 167848, MedGen C0878544, MONDO:0004994, HP:0001638. Inheritance: Various modes of inheritance.
Primary familial hypertrophic cardiomyopathy (HCM). Identifiers: Orphanet 99739, MedGen C0949658, MeSH D024741, MONDO:0024573. Inheritance: Various modes of inheritance.
Hypertrophic cardiomyopathy. Also called: HYPERTROPHIC MYOCARDIOPATHY. Identifiers: Orphanet 217569, MedGen C0007194, MeSH D002312, MONDO:0005045, HP:0001639.

Allele frequency attached by ClinVar (database versions not stated): gnomAD exomes 0.00001 and 0.00002; ExAC 0.00002; gnomAD 0.00002; TOPMed 0.00002.
gnomAD v4.1: 36 of 1,613,830 alleles (0.0022%); highest among the groups gnomAD compares: Non-Finnish European, 0.0029%; no homozygotes.

Submissions 1 to 5 of 27:

ClinGen Cardiomyopathy Variant Curation Expert Panel
Classification: Pathogenic for Hypertrophic cardiomyopathy. Last evaluated: 2016-12-15. Review status: reviewed by expert panel. Criteria: ClinGen CMP ACMG Specifications v1. Collection method: curation. Allele origin: germline. Inheritance: Autosomal dominant inheritance.
Comment: The c.2167C>T (p.Arg723Cys) variant in MYH7 has been reported in >20 individuals with hypertrophic cardiomyopathy (PS4; PMID:1430197; PMID:27532257; PMID:9829907; PMID:16199542; PMID:20359594; PMID:12707239; Partners LMM ClinVar SCV000059423.5; AGCMC Sydney ClinVar SCV000212630.1). Five of these probands carried additional variants in sarcomere genes (BP2; PMID:20359594; PMID:12707239; Partners LMM ClinVar SCV000059423.5). This variant has been identified as a de novo occurrence in 1 proband with hypertrophic cardiomyopathy (PM6; PMID:1430197). This variant segregated with disease in 7 affected individuals (PP1_Strong; PMID:9829907; Partners LMM ClinVar SCV000059423.5; AGCMC Sydney ClinVar SCV000212630.1). This variant was identified in 2/66738 European chromosomes (PM2). This variant lies in the head region of the protein (aa 181-937) and missense variants in this region are statistically more likely to be disease-associated (PM1; PMID:27532257). Computational prediction tools and conservation analysis suggest that this variant may impact the protein (PP3). A different pathogenic missense variant has been previously identified at this codon which may indicate that this residue is critical to the function of the protein (PM5; c.2167C>G p.Arg723Gly - ClinVar Variation ID 42885). In summary, this variant meets criteria to be classified as pathogenic for hypertrophic cardiomyopathy in an autosomal dominant manner. The benign evidence code BP2 was not considered to be in conflict with this conclusion given that presence of a second variant can be seen in individuals with cardiomyopathy and may contribute to the severity of disease. MYH7-specific ACMG/AMP criteria applied (PMID:29300372): PS4; PP1_ Strong; PM1; PM2; PM5; PM6; PP3; BP2

North West Genomic Laboratory Hub, Manchester University NHS Foundation Trust
Classification: Pathogenic for Hypertrophic cardiomyopathy. Last evaluated: 2026-05-26. Review status: criteria provided, single submitter. Criteria: ACGS Best Practice Guidelines for Variant Classification in Rare Disease 2024. Collection method: clinical testing. Allele origin: germline. Affected: yes. Not counted in ClinVar's aggregate classification.
Comment: PM1_Mod PP1_Str PS4_Str PM6_Supp

PreventionGenetics, part of Exact Sciences
Classification: Pathogenic for MYH7-related condition. Last evaluated: 2026-03-25. Review status: criteria provided, single submitter. Criteria: ACMG Guidelines, 2015. Collection method: clinical testing. Allele origin: germline. Not counted in ClinVar's aggregate classification.
Comment: The MYH7 c.2167C>T variant is predicted to result in the amino acid substitution p.Arg723Cys. This variant has been reported in multiple individuals with hypertrophic cardiomyopathy (Watkins et al. 1992. PubMed ID: 1430197; Girolami et al. 2010. PubMed ID: 20359594; Hathaway et al. 2021. PubMed ID: 33673806). This variant is reported in 0.0033% of alleles in individuals of South Asian descent in gnomAD and is interpreted as pathogenic in ClinVar (Variation ID: 14095). This variant is interpreted as pathogenic.

Labcorp Genetics (formerly Invitae), Labcorp
Classification: Pathogenic for Hypertrophic cardiomyopathy. Last evaluated: 2025-12-27. Review status: criteria provided, single submitter. Criteria: Invitae Variant Classification Sherloc (09022015). Collection method: clinical testing. Allele origin: germline. Not counted in ClinVar's aggregate classification.
Comment: This sequence change replaces arginine, which is basic and polar, with cysteine, which is neutral and slightly polar, at codon 723 of the MYH7 protein (p.Arg723Cys). This variant is present in population databases (rs121913630, gnomAD 0.003%). This missense change has been observed in individual(s) with hypertrophic cardiomyopathy and/or arrhythmogenic right ventricular cardiomyopathy (PMID: 1430197, 9829907, 12117842, 16199542, 25935763, 29709087). In at least one individual the variant was observed to be de novo. It has also been observed to segregate with disease in related individuals. ClinVar contains an entry for this variant (Variation ID: 14095). Invitae Evidence Modeling of protein sequence and biophysical properties (such as structural, functional, and spatial information, amino acid conservation, physicochemical variation, residue mobility, and thermodynamic stability) indicates that this missense variant is expected to disrupt MYH7 protein function with a positive predictive value of 95%. This variant is found within a region of MYH7 between codons 181 and 937 that contains the majority of the myosin head domain. Missense variants in this region have been shown to be significantly overrepresented in individuals with hypertrophic cardiomyopathy (PMID: 27532257). For these reasons, this variant has been classified as Pathogenic.

Ambry Genetics
Classification: Pathogenic for Cardiovascular phenotype. Last evaluated: 2025-11-21. Review status: criteria provided, single submitter. Criteria: Ambry Variant Classification Scheme 2023. Collection method: clinical testing. Allele origin: germline. Not counted in ClinVar's aggregate classification.
Comment: The p.R723C pathogenic mutation (also known as c.2167C>T) is located in coding exon 18 in the MYH7 gene. This variant results from a C to T substitution at nucleotide position 2167. The arginine at codon 723 is replaced by cysteine, an amino acid with highly dissimilar properties. This alteration is located in the myosin head domain, which contains a statistically significant clustering of pathogenic missense variants (Homburger JR et al. Proc Natl Acad Sci U S A, 2016 06;113:6701-6; Walsh R et al. Genet Med, 2017 02;19:192-203; Ambry internal data). This variant has been detected in numerous individuals with hypertrophic cardiomyopathy (HCM) and has been reported to segregate with disease in several families (Tesson F et al 1998. Hum Mutat. 1998;12(6):385-392; Richard P et al. Circulation. 2003;107(17):2227-2232; Girolami F et al. J Am Coll Cardiol. 2010;55(4):1444-53; Walsh R et al. Genet. Med., 2017 02;19:192-203; Kelly MA et al. Genet. Med., 2018 03;20:351-359). In addition, this variant was described as de novo in a patient with features of HCM (Watkins H et al. J Clin Invest. 1992;90(5):1666-1171). Another alteration at the same codon, p.R723G (c.2167C>G), has also been reported in association with HCM (Yang JH et al. Chin Med J (Engl). 2006; 119(21):1785-9). Based on the supporting evidence, this alteration is interpreted as a disease-causing mutation.